The following is an entry in ClinVar:

NM_001079802.2(FKTN):c.1363del (p.Asp455fs)

Gene: FKTN (fukutin; plus strand). Cytogenetic location: 9q31.2.
Variant type: Deletion.
Coding change: c.1363del on transcript NM_001079802.2 (MANE Select); coding-DNA position 1363, one base deleted (G; older notation c.1363delG).
Protein change: p.Asp455fs; shifts the reading frame from aspartic acid 455.
Molecular consequence: frameshift variant. On other transcripts: 3 prime UTR variant (1), non-coding transcript variant (2), intron variant (1).
Genome position (GRCh38, 1-based): chr9:105,635,241, G deleted; the last of 3 consecutive G bases (chr9:105,635,239-105,635,241); deleting any one gives the same sequence. VCF-style (leftmost placement, unchanged base first): chr9-105635238-TG-T. GRCh37 (hg19) VCF-style: chr9-108397519-TG-T.
Other names: c.1363del, p.Asp455fs (NM_001351496.2, NM_006731.2); c.1294del, p.Asp432fs (NM_001351497.2); c.*155del (NM_001351498.2); c.967del, p.Asp323fs (NM_001351499.2, NM_001351500.2, NM_001351501.2 and 1 more transcripts); c.1270+93del (NM_001198963.2); c.1363del (NM_001079802.1); short protein forms D323fs, D432fs, D455fs.
Identifiers: ClinVar variation 3207 (VCV000003207.2), dbSNP rs587777814, ClinGen allele CA116071.

ClinVar aggregate classification (germline): Likely pathogenic. Review status: criteria provided, single submitter (1 of 4 stars). 2 submissions from 2 submitters: Likely pathogenic (1). 1 of the submissions does not count toward it. Last evaluated 2025-09-08.

Conditions:
Walker-Warburg congenital muscular dystrophy. Also called: Muscular dystrophy-dystroglycanopathy, type A; Walker-Warburg syndrome. Identifiers: Orphanet 899, MedGen C0265221, MONDO:0000171.
Autosomal recessive limb-girdle muscular dystrophy type 2M. Also called: MUSCULAR DYSTROPHY, LIMB-GIRDLE, TYPE 2M; MUSCULAR DYSTROPHY-DYSTROGLYCANOPATHY (LIMB-GIRDLE), TYPE C, 4. Identifiers: Orphanet 206554, MedGen C1969040, MONDO:0012699, OMIM 611588.

Submissions (2):

Natera, Inc.
Classification: Likely pathogenic for Walker-Warburg congenital muscular dystrophy. Last evaluated: 2025-09-08. Review status: criteria provided, single submitter. Criteria: Natera Variant Classification Schema (03/2026). Collection method: clinical testing. Allele origin: germline.
Comment: The c.1363del variant in FKTN is a frameshift variant predicted to elongate the protein beyond the termination codon. This variant may result in a truncated or dysfunctional protein product. This variant is rare in the general population with a frequency below the threshold expected for the associated phenotype(s). This variant has been observed in one or more individuals affected with the associated recessive disease, as either homozygous or compound heterozygous with a second variant (PMID: 17044012). This variant has been identified in one or more affected individual with a phenotype highly consistent with the associated gene (PMID: 17044012). Given the available evidence, this variant is classified as Likely Pathogenic.

OMIM
Classification: Pathogenic for MUSCULAR DYSTROPHY-DYSTROGLYCANOPATHY (LIMB-GIRDLE), TYPE C, 4. Last evaluated: 2006-11-01. Review status: no assertion criteria provided. Collection method: literature only. Allele origin: germline. Not counted in ClinVar's aggregate classification.

Literature cited by the submitters: PubMed 17044012 (cited by Natera, Inc. and OMIM).